The following is an entry in ClinVar:

NM_001034853.2(RPGR):c.3407G>A (p.Gly1136Asp)

Gene: RPGR (retinitis pigmentosa GTPase regulator; minus strand). Cytogenetic location: Xp11.4.
Variant type: single nucleotide variant.
Coding change: c.3407G>A on transcript NM_001034853.2 (MANE Select); coding-DNA position 3407, G replaced by A.
Protein change: p.Gly1136Asp; replaces glycine 1136 with aspartic acid.
Molecular consequence: missense variant. On other transcripts: intron variant (8).
Genome position (GRCh38, 1-based): chrX:38,285,592, C>T on the plus strand (G>A on the coding strand, the complement: RPGR is on the minus strand). VCF-style: chrX-38285592-C-T. GRCh37 (hg19) VCF-style: chrX-38144845-C-T.
Other names: NM_001034853.2(RPGR):c.3407G>A; p.Gly1136Asp; c.1569+5367G>A (NM_001367249.1, NM_001367250.1); c.1902+1502G>A (NM_001367245.1); c.1386+5367G>A (NM_001367251.1); c.1719+1502G>A (NM_001367246.1); c.1572+5367G>A (NM_001367247.1); c.1905+1502G>A (NM_000328.3); and 1 more; short protein forms G1136D.
Identifiers: ClinVar variation 445488 (VCV000445488.15), dbSNP rs150960964, ClinGen allele CA10385145.

ClinVar aggregate classification (germline): Benign. Review status: reviewed by expert panel (3 of 4 stars). 6 submissions from 6 submitters: Benign (1). 5 of the submissions do not count toward it. Last evaluated 2025-05-20.

Conditions:
RPGR-related disorder. Also called: RPGR-related condition.
RPGR-related retinopathy. Also called: RPGR retinopathy. Identifiers: MedGen CN305589, MONDO:0100437.
Primary ciliary dyskinesia. Also called: Ciliary dyskinesia. Identifiers: Orphanet 244, MedGen C0008780, MONDO:0016575, HP:0012265.

Allele frequency attached by ClinVar (database versions not stated): gnomAD exomes 0.00063 and 0.00176; ExAC 0.00215; gnomAD 0.00611 and 0.00656; 1000 Genomes Project 0.00689; TOPMed 0.00695; 1000 Genomes Project 30x 0.00728; ESP Exome Variant Server 0.00795.
gnomAD v4.1: 1,411 of 1,209,680 alleles (0.12%); highest among the groups gnomAD compares: African/African-American, 2.1%; 7 homozygotes.

Submissions (6):

ClinGen X-linked Inherited Retinal Disease Variant Curation Expert Panel, ClinGen
Classification: Benign for RPGR-related retinopathy. Last evaluated: 2025-05-20. Review status: reviewed by expert panel. Criteria: ClinGen X LinkedIRD ACMG Specifications RPGR V1.0.0. Collection method: curation. Allele origin: germline. Inheritance: X-linked inheritance.
Comment: NM_001034853.2(RPGR):c.3407G>A (p.Gly1136Asp) variant is a missense variant encoding the substitution of glycine with aspartic acid at amino acid 1136. The computational predictor REVEL gives a score of 0.053, which is below the ClinGen X-linked IRD VCEP threshold of <0.183 and predicts a non-damaging effect on RPGR function. Additionally, the splicing impact predictor SpliceAI gives a delta score of 0.00, which is below the ClinGen X-linked IRD VCEP recommended threshold of <0.1 and does not strongly predict an impact on splicing (BP4_moderate). This variant is present in gnomAD v.4.1.0 at a frequency of 0.0008861 among hemizygous individuals, with 352 variant alleles / 397,264 total alleles, which is higher than the ClinGen X-linked IRD VCEP BA1 threshold of >0.00005 (BA1). This variant has been reported in at least 1 male proband and 2 females. In summary, this variant is classified as benign for RPGR-related retinopathy based on the ClinGen X-linked Inherited Retinal Disease Expert Panel Specifications to the ACMG/AMP Variant Interpretation Guidelines for RPGR Version 1.0.0; BA1 and BP4_moderate. (date of approval 05/16/2025).

PreventionGenetics, part of Exact Sciences
Classification: Benign for RPGR-related condition. Last evaluated: 2026-09-22. Review status: criteria provided, single submitter. Criteria: ACMG Guidelines, 2015. Collection method: clinical testing. Allele origin: germline. Not counted in ClinVar's aggregate classification.
Comment: This variant is classified as benign based on ACMG/AMP sequence variant interpretation guidelines (Richards et al. 2015 PMID: 25741868, with internal and published modifications).

Labcorp Genetics (formerly Invitae), Labcorp
Classification: Benign for Primary ciliary dyskinesia. Last evaluated: 2026-02-04. Review status: criteria provided, single submitter. Criteria: Invitae Variant Classification Sherloc (09022015). Collection method: clinical testing. Allele origin: germline. Not counted in ClinVar's aggregate classification.

Blueprint Genetics
Classification: Likely benign. Last evaluated: 2024-11-21. Review status: criteria provided, single submitter. Criteria: ACMG Guidelines, 2015. Collection method: clinical testing. Allele origin: germline. Not counted in ClinVar's aggregate classification.

Center for Pediatric Genomic Medicine, Children's Mercy Hospital and Clinics
Classification: Likely benign. Last evaluated: 2017-05-04. Review status: criteria provided, single submitter. Criteria: ACMG Guidelines, 2015. Collection method: clinical testing. Allele origin: germline. Not counted in ClinVar's aggregate classification.

Breakthrough Genomics
Classification: Likely benign. Review status: criteria provided, single submitter. Criteria: ACMG Guidelines, 2015. Collection method: not provided. Allele origin: germline. Inheritance: X-linked inheritance. Affected: yes. Not counted in ClinVar's aggregate classification.